The following is an entry in ClinVar:

ClinVar aggregate classification (germline): Likely benign (1 of 4 stars; one submission).

gnomAD v4.1: 2 of 152,178 alleles (0.0013%); highest among the groups gnomAD compares: East Asian, 0.039%; no homozygotes.

Submission:

CeGaT Center for Human Genetics Tuebingen
Classification: Likely benign. Last evaluated: 2026-03-01. Review status: criteria provided, single submitter. Criteria: CeGaT Center For Human Genetics Tuebingen Variant Classification Criteria Version 2. Collection method: clinical testing. Allele origin: germline. Affected: yes. Observed: 1 variant allele.
Comment: KIF1A: BP4, BP7

NM_001244008.2(KIF1A):c.3466-245C>T

Gene: KIF1A (kinesin family member 1A; minus strand). Cytogenetic location: 2q37.3.
Variant type: single nucleotide variant.
Coding change: c.3466-245C>T on transcript NM_001244008.2 (MANE Select); 245 bases into the intron before coding-DNA position 3466, C replaced by T.
Molecular consequence: intron variant.
Genome position (GRCh38, 1-based): chr2:240,744,305, G>A on the plus strand (C>T on the coding strand, the complement: KIF1A is on the minus strand). VCF-style: chr2-240744305-G-A. GRCh37 (hg19) VCF-style: chr2-241683722-G-A.
Other names: c.3163-245C>T (NM_001379653.1, NM_001379650.1, NM_001379641.1 and 5 more transcripts); c.3439-245C>T (NM_001379645.1, NM_001379633.1, NM_001379642.1); c.3265-245C>T (NM_001379635.1, NM_001330290.2, NM_001379646.1 and 1 more transcripts); c.3160-245C>T (NM_001379640.1); c.3415-245C>T (NM_001379632.1); c.3238-245C>T (NM_001379637.1, NM_001379648.1); c.3190-245C>T (NM_001320705.2, NM_001379638.1, NM_001330289.2); c.3541-245C>T (NM_001379631.1).
Identifiers: ClinVar variation 4822374 (VCV004822374.4).